The following is an entry in ClinVar:

NM_001715.3(BLK):c.669G>A (p.Pro223=)

Genes: BLK (BLK proto-oncogene, Src family tyrosine kinase), BLK-AS1 (BLK antisense RNA 1). Cytogenetic location: 8p23.1.
Variant type: single nucleotide variant.
Coding change: c.669G>A on transcript NM_001715.3 (MANE Select); coding-DNA position 669, G replaced by A.
Protein change: p.Pro223=; no amino-acid change (proline 223 retained).
Molecular consequence: synonymous variant.
Genome position (GRCh38, 1-based): chr8:11,555,381, G>A. VCF-style: chr8-11555381-G-A. GRCh37 (hg19) VCF-style: chr8-11412890-G-A.
Other names: c.456G>A, p.Pro152= (NM_001330465.2).
Identifiers: ClinVar variation 2658406 (VCV002658406.27), dbSNP rs775121719, ClinGen allele CA4630030.
Genomic context (GRCh38, chr8:11,555,381, plus strand): 5'-CCCTAATGCAGAGAAGGGGGATGGTCTATGCCAGAGGCTGACCCTGCCCTGTGTGCGCCC[G>A]GCCCCGCAGAATCCCTGGGCCCAGGATGAATGGGAGATCCCCCGGCAGTCTCTCAGGCTG-3'
Protein context (NP_001706.2, residues 213-233): CQRLTLPCVR[Pro223=]APQNPWAQDE

ClinVar aggregate classification (germline): Conflicting classifications of pathogenicity. Review status: criteria provided, conflicting classifications (1 of 4 stars). 2 submissions from 2 submitters: Uncertain significance (1); Likely benign (1). Last evaluated 2024-08-31.

Allele frequency attached by ClinVar (database versions not stated): ExAC 0.00005; gnomAD 0.00007; TOPMed 0.00008.
gnomAD v4.1: 76 of 1,614,030 alleles (0.0047%); highest among the groups gnomAD compares: African/African-American, 0.011%; no homozygotes.

Submissions (2):

Labcorp Genetics (formerly Invitae), Labcorp
Classification: Uncertain significance. Last evaluated: 2024-08-31. Review status: criteria provided, single submitter. Criteria: Invitae Variant Classification Sherloc (09022015). Collection method: clinical testing. Allele origin: germline.
Comment: This sequence change affects codon 223 of the BLK mRNA. It is a 'silent' change, meaning that it does not change the encoded amino acid sequence of the BLK protein. This variant is present in population databases (rs775121719, gnomAD 0.008%). This variant has not been reported in the literature in individuals affected with BLK-related conditions. ClinVar contains an entry for this variant (Variation ID: 2658406). Algorithms developed to predict the effect of sequence changes on RNA splicing suggest that this variant may create or strengthen a splice site. In summary, the available evidence is currently insufficient to determine the role of this variant in disease. Therefore, it has been classified as a Variant of Uncertain Significance.

CeGaT Center for Human Genetics Tuebingen
Classification: Likely benign. Last evaluated: 2022-10-01. Review status: criteria provided, single submitter. Criteria: CeGaT Center For Human Genetics Tuebingen Variant Classification Criteria Version 2. Collection method: clinical testing. Allele origin: germline. Affected: yes. Observed: 1 variant allele.
Comment: BLK: BP4, BP7